The following is an entry in ClinVar:

ClinVar aggregate classification (germline): Uncertain significance (1 of 4 stars; one submission).

Conditions:
Ehlers-Danlos syndrome, classic type, 1 (EDSCL1). Also called: EHLERS-DANLOS SYNDROME, GRAVIS TYPE; EHLERS-DANLOS SYNDROME, SEVERE CLASSIC TYPE; EDS I; Ehlers-Danlos Syndrome, Classic Type, COL5A1-Related; Ehlers-Danlos syndrome, type 1. Identifiers: MedGen C0268335, MONDO:0019567, OMIM 130000.

Submission:

Labcorp Genetics (formerly Invitae), Labcorp
Classification: Uncertain significance for Ehlers-Danlos syndrome, classic type, 1. Last evaluated: 2024-01-17. Review status: criteria provided, single submitter. Criteria: Invitae Variant Classification Sherloc (09022015). Collection method: clinical testing. Allele origin: germline.
Comment: This sequence change replaces glycine, which is neutral and non-polar, with glutamic acid, which is acidic and polar, at codon 1318 of the COL5A2 protein (p.Gly1318Glu). This variant is not present in population databases (gnomAD no frequency). This variant has not been reported in the literature in individuals affected with COL5A2-related conditions. ClinVar contains an entry for this variant (Variation ID: 1017154). Advanced modeling of protein sequence and biophysical properties (such as structural, functional, and spatial information, amino acid conservation, physicochemical variation, residue mobility, and thermodynamic stability) has been performed at Invitae for this missense variant, however the output from this modeling did not meet the statistical confidence thresholds required to predict the impact of this variant on COL5A2 protein function. In summary, the available evidence is currently insufficient to determine the role of this variant in disease. Therefore, it has been classified as a Variant of Uncertain Significance.

NM_000393.5(COL5A2):c.3953G>A (p.Gly1318Glu)

Gene: COL5A2 (collagen type V alpha 2 chain; minus strand). Cytogenetic location: 2q32.2.
Variant type: single nucleotide variant.
Coding change: c.3953G>A on transcript NM_000393.5 (MANE Select); coding-DNA position 3953, G replaced by A.
Protein change: p.Gly1318Glu; replaces glycine 1318 with glutamic acid.
Molecular consequence: missense variant.
Genome position (GRCh38, 1-based): chr2:189,036,776, C>T on the plus strand (G>A on the coding strand, the complement: COL5A2 is on the minus strand). VCF-style: chr2-189036776-C-T. GRCh37 (hg19) VCF-style: chr2-189901502-C-T.
Other names: short protein forms G1318E.
Identifiers: ClinVar variation 1017154 (VCV001017154.48), dbSNP rs1685452114, ClinGen allele CA349856179.